The following is an entry in ClinVar:

NM_005529.7(HSPG2):c.4975G>C (p.Gly1659Arg)

Gene: HSPG2 (heparan sulfate proteoglycan 2; minus strand). Cytogenetic location: 1p36.12.
Variant type: single nucleotide variant.
Coding change: c.4975G>C on transcript NM_005529.7 (MANE Select); coding-DNA position 4975, G replaced by C.
Protein change: p.Gly1659Arg; replaces glycine 1659 with arginine.
Molecular consequence: missense variant.
Genome position (GRCh38, 1-based): chr1:21,860,216, C>G on the plus strand (G>C on the coding strand, the complement: HSPG2 is on the minus strand). VCF-style: chr1-21860216-C-G. GRCh37 (hg19) VCF-style: chr1-22186709-C-G.
Other names: c.4978G>C, p.Gly1660Arg (NM_001291860.2); short protein forms G1660R, G1659R.
Identifiers: ClinVar variation 2069692 (VCV002069692.4), dbSNP rs772595729, ClinGen allele CA672089.

ClinVar aggregate classification (germline): Uncertain significance (1 of 4 stars; one submission).

Allele frequency attached by ClinVar (database versions not stated): gnomAD 0.00001; ExAC 0.00003.
gnomAD v4.1: 5 of 1,613,556 alleles (0.00031%); highest among the groups gnomAD compares: East Asian, 0.0089%; no homozygotes.

Submission:

Labcorp Genetics (formerly Invitae), Labcorp
Classification: Uncertain significance. Last evaluated: 2022-07-11. Review status: criteria provided, single submitter. Criteria: Invitae Variant Classification Sherloc (09022015). Collection method: clinical testing. Allele origin: germline.
Comment: This variant has not been reported in the literature in individuals affected with HSPG2-related conditions. This variant is present in population databases (rs772595729, gnomAD 0.02%). This sequence change replaces glycine, which is neutral and non-polar, with arginine, which is basic and polar, at codon 1659 of the HSPG2 protein (p.Gly1659Arg). In summary, the available evidence is currently insufficient to determine the role of this variant in disease. Therefore, it has been classified as a Variant of Uncertain Significance. Algorithms developed to predict the effect of missense changes on protein structure and function are either unavailable or do not agree on the potential impact of this missense change (SIFT: "Deleterious"; PolyPhen-2: "Probably Damaging"; Align-GVGD: "Class C0").